The following is an entry in ClinVar:

NM_001111.5(ADAR):c.2863G>C (p.Val955Leu)

Gene: ADAR (adenosine deaminase RNA specific; minus strand). Cytogenetic location: 1q21.3.
Variant type: single nucleotide variant.
Coding change: c.2863G>C on transcript NM_001111.5 (MANE Select); coding-DNA position 2863, G replaced by C.
Protein change: p.Val955Leu; replaces valine 955 with leucine.
Molecular consequence: missense variant.
Genome position (GRCh38, 1-based): chr1:154,588,573, C>G on the plus strand (G>C on the coding strand, the complement: ADAR is on the minus strand). VCF-style: chr1-154588573-C-G. GRCh37 (hg19) VCF-style: chr1-154561049-C-G.
Other names: c.1978G>C, p.Val660Leu (NM_001025107.3, NM_001193495.2, NM_001365046.1 and 2 more transcripts); c.2890G>C, p.Val964Leu (NM_001365045.1); c.1900G>C, p.Val634Leu (NM_001365049.1); c.2785G>C, p.Val929Leu (NM_015840.4); c.2728G>C, p.Val910Leu (NM_015841.4); short protein forms V634L, V660L, V910L, V929L, V964L, V955L.
Identifiers: ClinVar variation 3493322 (VCV003493322.3).
Genomic context (GRCh38, chr1:154,588,573, plus strand): 5'-GCAGGGCCCACCCTGGCAGCAACAGGAACTGTACAGACCTGATATACAGATGGAATGACA[C>G]AGTCTTTTTTATTTGGAGCTTTTCTCCTCCCTTAGCAGGTTCAAATATACTATCCTTCGC-3'
Protein context (NP_001102.3, residues 945-965): GGEKLQIKKT[Val955Leu]SFHLYISTAP

ClinVar aggregate classification (germline): Uncertain significance. Review status: criteria provided, multiple submitters, no conflicts (2 of 4 stars). 2 submissions from 2 submitters: Uncertain significance (2). Last evaluated 2025-01-27.

Conditions:
Inborn genetic diseases. Identifiers: MedGen C0950123, MeSH D030342.
Aicardi-Goutieres syndrome 6 (AGS6). Identifiers: Orphanet 51, MedGen C3539013, MONDO:0014007, OMIM 615010.
Symmetrical dyschromatosis of extremities (DSH). Also called: Dyschromatosis symmetrica hereditaria; DYSCHROMATOSIS SYMMETRICA HEREDITARIA 1; RETICULATE ACROPIGMENTATION OF DOHI; SYMMETRIC DYSCHROMATOSIS OF THE EXTREMITIES. Identifiers: Orphanet 41, MedGen C0406775, MONDO:0007483, OMIM 127400.

gnomAD v4.1: 1 of 1,614,136 alleles (0.000062%); highest among the groups gnomAD compares: Non-Finnish European, 0.000085%; no homozygotes.

Submissions (2):

Labcorp Genetics (formerly Invitae), Labcorp
Classification: Uncertain significance for Aicardi-Goutieres syndrome 6; Symmetrical dyschromatosis of extremities. Last evaluated: 2025-01-27. Review status: criteria provided, single submitter. Criteria: Invitae Variant Classification Sherloc (09022015). Collection method: clinical testing. Allele origin: germline.
Comment: This sequence change replaces valine, which is neutral and non-polar, with leucine, which is neutral and non-polar, at codon 955 of the ADAR protein (p.Val955Leu). This variant is not present in population databases (gnomAD no frequency). This variant has not been reported in the literature in individuals affected with ADAR-related conditions. ClinVar contains an entry for this variant (Variation ID: 3493322). Invitae Evidence Modeling of protein sequence and biophysical properties (such as structural, functional, and spatial information, amino acid conservation, physicochemical variation, residue mobility, and thermodynamic stability) indicates that this missense variant is not expected to disrupt ADAR protein function with a negative predictive value of 80%. In summary, the available evidence is currently insufficient to determine the role of this variant in disease. Therefore, it has been classified as a Variant of Uncertain Significance.

Ambry Genetics
Classification: Uncertain significance for Inborn genetic diseases. Last evaluated: 2024-08-05. Review status: criteria provided, single submitter. Criteria: Ambry Variant Classification Scheme 2023. Collection method: clinical testing. Allele origin: germline.